The following is an entry in ClinVar:

ClinVar aggregate classification (germline): Uncertain significance. Review status: criteria provided, multiple submitters, no conflicts (2 of 4 stars). 2 submissions from 2 submitters: Uncertain significance (2). Last evaluated 2024-02-07.

Conditions:
Duchenne muscular dystrophy (DMD). Also called: MUSCULAR DYSTROPHY, PSEUDOHYPERTROPHIC PROGRESSIVE, DUCHENNE TYPE; Duchenne Muscular Dystrophy (DMD). Identifiers: Orphanet 98896, MedGen C0013264, MONDO:0010679, OMIM 310200.
Dilated cardiomyopathy 3B (CMD3B). Also called: CMD3B: DMD-Related Dilated Cardiomyopathy; CARDIOMYOPATHY, DILATED, X-LINKED; DMD-Associated Dilated Cardiomyopathy. Identifiers: Orphanet 154, MedGen C3668940, MONDO:0010542, OMIM 302045.

Allele frequency attached by ClinVar (database versions not stated): TOPMed 0.00001.

Submissions (2):

Labcorp Genetics (formerly Invitae), Labcorp
Classification: Uncertain significance for Duchenne muscular dystrophy. Last evaluated: 2024-02-07. Review status: criteria provided, single submitter. Criteria: Invitae Variant Classification Sherloc (09022015). Collection method: clinical testing. Allele origin: germline.
Comment: This sequence change replaces glycine, which is neutral and non-polar, with glutamic acid, which is acidic and polar, at codon 980 of the DMD protein (p.Gly980Glu). This variant is not present in population databases (gnomAD no frequency). This variant has not been reported in the literature in individuals affected with DMD-related conditions. ClinVar contains an entry for this variant (Variation ID: 368250). Advanced modeling of protein sequence and biophysical properties (such as structural, functional, and spatial information, amino acid conservation, physicochemical variation, residue mobility, and thermodynamic stability) performed at Invitae indicates that this missense variant is not expected to disrupt DMD protein function with a negative predictive value of 95%. In summary, the available evidence is currently insufficient to determine the role of this variant in disease. Therefore, it has been classified as a Variant of Uncertain Significance.

Illumina Laboratory Services, Illumina
Classification: Uncertain significance for Dilated cardiomyopathy 3B. Last evaluated: 2018-01-12. Review status: criteria provided, single submitter. Criteria: ICSL Variant Classification Criteria 13 December 2019. Collection method: clinical testing. Allele origin: germline.

NM_004006.3(DMD):c.2939G>A (p.Gly980Glu)

Gene: DMD (dystrophin; minus strand). Cytogenetic location: Xp21.1.
Variant type: single nucleotide variant.
Coding change: c.2939G>A on transcript NM_004006.3 (MANE Select); coding-DNA position 2939, G replaced by A.
Protein change: p.Gly980Glu; replaces glycine 980 with glutamic acid.
Molecular consequence: missense variant.
Genome position (GRCh38, 1-based): chrX:32,472,174, C>T on the plus strand (G>A on the coding strand, the complement: DMD is on the minus strand). VCF-style: chrX-32472174-C-T. GRCh37 (hg19) VCF-style: chrX-32490291-C-T.
Other names: c.2915G>A, p.Gly972Glu (NM_000109.4); c.2927G>A, p.Gly976Glu (NM_004009.3); c.2570G>A, p.Gly857Glu (NM_004010.3); short protein forms G980E, G857E, G976E, G972E.
Identifiers: ClinVar variation 368250 (VCV000368250.7), dbSNP rs1057515875, ClinGen allele CA10654308.